The following is an entry in ClinVar:

ClinVar aggregate classification (germline): Pathogenic. Review status: criteria provided, single submitter (1 of 4 stars). 3 submissions from 3 submitters: Pathogenic (1). 2 of the submissions do not count toward it. Last evaluated 2013-10-22.

Conditions:
Marfan syndrome (MFS). Also called: MARFAN SYNDROME, TYPE I; FBN1-Related Marfan Syndrome; Marfan syndrome, classic; Marfan syndrome type 1; Marfan's syndrome. Identifiers: Orphanet 284963, Orphanet 558, MedGen C0024796, MONDO:0007947, OMIM 154700.
FBN1-related disorder. Also called: FBN1-related disorders.

Submissions (3):

GeneDx
Classification: Pathogenic. Last evaluated: 2013-10-22. Review status: criteria provided, single submitter. Criteria: GeneDx Variant Classification (06012015). Collection method: clinical testing. Allele origin: germline. Affected: yes.
Comment: The c.4405delC mutation in the FBN1 gene has been reported in one patient with Marfan syndrome or Marfan-related phenotypes (Sakai H et al., 2006). This mutation causes a shift in reading frame starting at codon Arginine 1469, changing it to an Alanine, and creating a premature stop codon at position 6 of the new reading frame, denoted p.Arg1469AlafsX6. This mutation is expected to result in either an abnormal, truncated protein product or loss of protein from this allele through nonsense-mediated mRNA decay. Other frameshift mutations in the FBN1 gene have been reported in association with Marfan syndrome. In summary, c.4405delC in the FBN1 gene is interpreted as a disease-causing mutation.

PreventionGenetics, part of Exact Sciences
Classification: Pathogenic for FBN1-related condition. Last evaluated: 2023-12-11. Review status: no assertion criteria provided. Collection method: clinical testing. Allele origin: germline. Not counted in ClinVar's aggregate classification.
Comment: The FBN1 c.4405delC variant is predicted to result in a frameshift and premature protein termination (p.Arg1469Alafs*6). This variant was reported in an individual with Marfan syndrome or Marfan-related phenotypes (Sakai et al. 2006. PubMed ID: 16835936). This variant has not been reported in a large population database, indicating this variant is rare. Frameshift variants in FBN1 are expected to be pathogenic. This variant is interpreted as pathogenic.

Center for Medical Genetics Ghent, University of Ghent
Classification: Pathogenic for Marfan syndrome. Last evaluated: 2017-11-07. Review status: no assertion criteria provided. Collection method: clinical testing. Allele origin: germline. Affected: yes. Not counted in ClinVar's aggregate classification.

NM_000138.5(FBN1):c.4405del (p.Arg1469fs)

Gene: FBN1 (fibrillin 1; minus strand). Cytogenetic location: 15q21.1.
Variant type: Deletion.
Coding change: c.4405del on transcript NM_000138.5 (MANE Select); coding-DNA position 4405, one base deleted (C; older notation c.4405delC).
Protein change: p.Arg1469fs; shifts the reading frame from arginine 1469.
Molecular consequence: frameshift variant.
Genome position (GRCh38, 1-based): chr15:48,470,688, G deleted on the plus strand (C on the coding strand, the reverse complement: FBN1 is on the minus strand); the first of 2 consecutive G bases (chr15:48,470,688-48,470,689); deleting either gives the same sequence. VCF-style (leftmost placement, unchanged base first): chr15-48470687-CG-C. GRCh37 (hg19) VCF-style: chr15-48762884-CG-C.
Other names: c.4405delC (NM_000138.4); short protein forms R1469fs.
Identifiers: ClinVar variation 200160 (VCV000200160.4), dbSNP rs794728308, ClinGen allele CA015029.